The following is an entry in ClinVar:

NM_001009944.3(PKD1):c.5883_5929del (p.Val1963fs)

Gene: PKD1 (polycystin 1, transient receptor potential channel interacting; minus strand). Cytogenetic location: 16p13.3.
Variant type: Deletion.
Coding change: c.5883_5929del on transcript NM_001009944.3 (MANE Select); coding-DNA positions 5883 to 5929, 47 bases deleted.
Protein change: p.Val1963fs; shifts the reading frame from valine 1963.
Molecular consequence: frameshift variant.
Genome position (GRCh38, 1-based): chr16:2,109,238-2,109,284, 47 bases deleted; deleting any 47 consecutive bases within chr16:2,109,238-2,109,286 gives the same sequence; the c. name uses the placement nearest the transcript's 3' end. GRCh37 (hg19): chr16:2,159,241-2,159,287.
Other names: c.5883_5929del47 (NM_001009944.3); c.5883_5929del, p.Val1963fs (NM_000296.4); short protein forms V1963fs.
Identifiers: ClinVar variation 3907362 (VCV003907362.1).

ClinVar aggregate classification (germline): Pathogenic (1 of 4 stars; one submission).

Conditions:
Polycystic kidney disease, adult type (PKD1). Also called: Polycystic Kidney Disease 1, Autosomal Dominant; Polycystic kidney disease 1; Polycystic kidney disease 1, severe; Polycystic Kidney, Autosomal Dominant; POLYCYSTIC KIDNEY DISEASE 1 WITH OR WITHOUT POLYCYSTIC LIVER DISEASE; POLYCYSTIC KIDNEY DISEASE, ADULT, TYPE I. Identifiers: MedGen C3149841, MONDO:0008263, OMIM 173900.

Submission:

Women's Health and Genetics/Laboratory Corporation of America, LabCorp
Classification: Pathogenic for Polycystic kidney disease, adult type. Last evaluated: 2025-06-27. Review status: criteria provided, single submitter. Criteria: LabCorp Variant Classification Summary - May 2015. Collection method: clinical testing. Allele origin: germline.
Comment: Variant summary: PKD1 c.5883_5929del47 (p.Val1963LeufsX11) results in a premature termination codon, predicted to cause a truncation of the encoded protein or absence of the protein due to nonsense mediated decay, which are commonly known mechanisms for disease. The variant was absent in 233020 control chromosomes. To our knowledge, no occurrence of c.5883_5929del47 in individuals affected with Polycystic Kidney Disease 1 and no experimental evidence demonstrating its impact on protein function have been reported. No submitters have cited clinical-significance assessments for this variant to ClinVar. Based on the evidence outlined above, the variant was classified as pathogenic.